The following is an entry in ClinVar:

ClinVar aggregate classification (germline): Benign/Likely benign. Review status: criteria provided, multiple submitters, no conflicts (2 of 4 stars). 10 submissions from 10 submitters: Benign (4); Likely benign (4). 2 of the submissions do not count toward it. Last evaluated 2026-08-01.

Conditions:
Weaver syndrome (WVS). Also called: Weaver Smith syndrome; Overgrowth syndrome with accelerated skeletal maturation, unusual facies, and camptodactyly. Identifiers: Orphanet 3447, MedGen C0265210, MONDO:0010193, OMIM 277590.

Allele frequency attached by ClinVar (database versions not stated): 1000 Genomes Project 0.00060; 1000 Genomes Project 30x 0.00062; TOPMed 0.00173; ExAC 0.00188; gnomAD 0.00188 and 0.00208; gnomAD exomes 0.00192; ESP Exome Variant Server 0.00231.
gnomAD v4.1: 4,639 of 1,609,406 alleles (0.29%); highest among the groups gnomAD compares: Non-Finnish European, 0.37%; 9 homozygotes.

Submissions (10):

CeGaT Center for Human Genetics Tuebingen
Classification: Benign. Last evaluated: 2026-08-01. Review status: criteria provided, single submitter. Criteria: CeGaT Center For Human Genetics Tuebingen Variant Classification Criteria Version 2. Collection method: clinical testing. Allele origin: germline. Affected: yes. Observed: 19 variant alleles.
Comment: EZH2: BP4, BS1, BS2

Labcorp Genetics (formerly Invitae), Labcorp
Classification: Benign for Weaver syndrome. Last evaluated: 2026-02-04. Review status: criteria provided, single submitter. Criteria: Invitae Variant Classification Sherloc (09022015). Collection method: clinical testing. Allele origin: germline.

Dasa
Classification: Benign. Last evaluated: 2025-12-01. Review status: criteria provided, single submitter. Criteria: DASA Assertion Criteria. Collection method: clinical testing. Allele origin: germline.
Comment: NM_004456.5(EZH2):c.1852-6C>T is interpreted as benign based on a combination of available evidence, which may include population frequency, observations in unaffected individuals, intact protein function, lack of segregation with disease, in silico models, amino acid conservation, lack of disease association in case-control studies, and/or inconsistency with the known disease mechanism or impacted region. Based on the available data, this variant is classified as benign.

Blueprint Genetics
Classification: Likely benign. Last evaluated: 2024-10-24. Review status: criteria provided, single submitter. Criteria: ACMG Guidelines, 2015. Collection method: clinical testing. Allele origin: germline.

GeneDx
Classification: Benign. Last evaluated: 2020-10-30. Review status: criteria provided, single submitter. Criteria: GeneDx Variant Classification Process June 2021. Collection method: clinical testing. Allele origin: germline. Affected: yes.
Comment: This variant is associated with the following publications: (PMID: 26917488)

Eurofins Ntd Llc (ga)
Classification: Likely benign. Last evaluated: 2018-09-06. Review status: criteria provided, single submitter. Criteria: EGL ClinVar v180209 classification definitions. Collection method: clinical testing. Allele origin: germline. Observed: 1 variant allele, 1 heterozygote.

Genetic Services Laboratory, University of Chicago
Classification: Likely benign. Last evaluated: 2015-07-02. Review status: criteria provided, single submitter. Criteria: ACMG Guidelines, 2015. Collection method: clinical testing. Allele origin: germline.

PreventionGenetics, part of Exact Sciences
Classification: Likely benign. Review status: criteria provided, single submitter. Criteria: ACMG Guidelines, 2015. Collection method: clinical testing. Allele origin: germline.

Clinical Genetics DNA and cytogenetics Diagnostics Lab, Erasmus MC, Erasmus Medical Center
Classification: Likely benign. Review status: no assertion criteria provided. Collection method: clinical testing. Allele origin: germline. Affected: yes. Study: VKGL Data-share Consensus. Not counted in ClinVar's aggregate classification.

Laboratory of Diagnostic Genome Analysis, Leiden University Medical Center (LUMC)
Classification: Likely benign. Review status: no assertion criteria provided. Collection method: clinical testing. Allele origin: germline. Affected: yes. Study: VKGL Data-share Consensus. Not counted in ClinVar's aggregate classification.

NM_004456.5(EZH2):c.1852-6C>T

Gene: EZH2 (enhancer of zeste 2 polycomb repressive complex 2 subunit; minus strand). Cytogenetic location: 7q36.1.
Variant type: single nucleotide variant.
Coding change: c.1852-6C>T on transcript NM_004456.5 (MANE Select); 6 bases into the intron before coding-DNA position 1852, C replaced by T.
Molecular consequence: intron variant.
Genome position (GRCh38, 1-based): chr7:148,811,726, G>A on the plus strand (C>T on the coding strand, the complement: EZH2 is on the minus strand). VCF-style: chr7-148811726-G-A. GRCh37 (hg19) VCF-style: chr7-148508818-G-A.
Other names: c.1810-6C>T (NM_001203248.2); c.1720-6C>T (NM_152998.3); c.1837-6C>T (NM_001203247.2); c.1684-6C>T (NM_001203249.2).
Identifiers: ClinVar variation 158578 (VCV000158578.59), dbSNP rs78589034, ClinGen allele CA172167.